The following is an entry in ClinVar:

NM_000032.5(ALAS2):c.1757A>T (p.Tyr586Phe)

Gene: ALAS2 (5'-aminolevulinate synthase 2; minus strand). Cytogenetic location: Xp11.21.
Variant type: single nucleotide variant.
Coding change: c.1757A>T on transcript NM_000032.5 (MANE Select); coding-DNA position 1757, A replaced by T.
Protein change: p.Tyr586Phe; replaces tyrosine 586 with phenylalanine.
Molecular consequence: missense variant.
Genome position (GRCh38, 1-based): chrX:55,009,187, T>A on the plus strand (A>T on the coding strand, the complement: ALAS2 is on the minus strand). VCF-style: chrX-55009187-T-A. GRCh37 (hg19) VCF-style: chrX-55035620-T-A.
Other names: p.Y586F:TAT>TTT; c.1646A>T, p.Tyr549Phe (NM_001037967.4); c.1718A>T, p.Tyr573Phe (NM_001037968.4); c.1757A>T, p.Tyr586Phe (LRG_1163t1); short protein forms Y586F, Y573F, Y549F.
Identifiers: ClinVar variation 40978 (VCV000040978.14), dbSNP rs139596860, ClinGen allele CA323962.

ClinVar aggregate classification (germline): Conflicting classifications of pathogenicity. Review status: criteria provided, conflicting classifications (1 of 4 stars). 8 submissions from 8 submitters: Uncertain significance (4); Benign (2); Likely benign (1). 1 of the submissions does not count toward it. Last evaluated 2026-01-24.

Conditions:
Developmental and epileptic encephalopathy, 36 (DEE36). Also called: Congenital disorder of glycosylation, type Is; Epileptic encephalopathy, early infantile, 36; ALG13-CDG. Identifiers: Orphanet 324422, MedGen C4317295, MONDO:0010472, OMIM 300884.
X-linked sideroblastic anemia 1. Also called: ANEMIA, SIDEROBLASTIC, 1, PYRIDOXINE REFRACTORY; X-linked pyridoxine-refractory sideroblastic anemia; Anemia, hereditary sideroblastic 1, pyridoxine refractory; Erythroid 5-aminolevulinate synthase deficiency; X chromosome-linked sideroblastic anemia; Anemia, sideroblastic, 1. Identifiers: Orphanet 75563, MedGen C4551511, MONDO:0020721, OMIM 300751. Disease mechanism: loss of function.
X-linked erythropoietic protoporphyria. Also called: ERYTHROHEPATIC PROTOPORPHYRIA, X-LINKED; X-Linked Protoporphyria; Erythropoietic Protoporphyria, X-Linked Dominant. Identifiers: Orphanet 443197, MedGen C2677889, MONDO:0010420, OMIM 300752.

Allele frequency attached by ClinVar (database versions not stated): 1000 Genomes Project 30x 0.00229; ESP Exome Variant Server 0.00293; gnomAD exomes 0.00021 and 0.00056; ExAC 0.00113; gnomAD 0.00189; TOPMed 0.00210; 1000 Genomes Project 0.00212.
gnomAD v4.1: 481 of 1,205,917 alleles (0.04%); highest among the groups gnomAD compares: African/African-American, 0.67%; 1 homozygote.

Submissions (8):

Labcorp Genetics (formerly Invitae), Labcorp
Classification: Benign. Last evaluated: 2026-01-24. Review status: criteria provided, single submitter. Criteria: Invitae Variant Classification Sherloc (09022015). Collection method: clinical testing. Allele origin: germline.

Blueprint Genetics
Classification: Likely benign. Last evaluated: 2024-11-28. Review status: criteria provided, single submitter. Criteria: ACMG Guidelines, 2015. Collection method: clinical testing. Allele origin: germline.

Dr.Nikuei Genetic Center
Classification: Benign for Developmental and epileptic encephalopathy, 36. Last evaluated: 2024-06-27. Review status: criteria provided, single submitter. Criteria: ACMG Guidelines, 2015. Collection method: clinical testing. Allele origin: germline. Affected: no.

Mayo Clinic Laboratories, Mayo Clinic
Classification: Uncertain significance. Last evaluated: 2022-07-05. Review status: criteria provided, single submitter. Criteria: ACMG Guidelines, 2015. Collection method: clinical testing. Allele origin: germline. Observed: 2 variant alleles.

Mendelics
Classification: Uncertain significance for X-linked sideroblastic anemia 1. Last evaluated: 2019-05-28. Review status: criteria provided, single submitter. Criteria: Mendelics Assertion Criteria 2017. Collection method: clinical testing. Allele origin: unknown.

GeneDx
Classification: Uncertain significance. Last evaluated: 2016-11-30. Review status: criteria provided, single submitter. Criteria: GeneDx Variant Classification (06012015). Collection method: clinical testing. Allele origin: germline. Affected: yes.
Comment: Functional analysis of Y586F found that it is assocaited with only a mild gain of function in vitro (To-Figueras et al., 2011). However, the NHLBI Exome Sequencing Project reports Y586F was observed in 31/3835 alleles from individuals of African-American background, indicating it may be a rare, benign variant in this population. The Y586F variant is a non-conservative amino acid substitution, which is likely to impact secondary protein structure as these residues differ in polarity, charge, size and/or other properties. This substitution occurs at a position that is conserved in mammals. In silico analysis predicts this variant likely does not alter the protein structure/function. Therefore, based on the currently available information, it is unclear whether this variant is a pathogenic variant or a rare benign variant.

Breakthrough Genomics
Classification: Uncertain significance. Review status: criteria provided, single submitter. Criteria: ACMG Guidelines, 2015. Collection method: not provided. Allele origin: germline. Inheritance: X-linked inheritance. Affected: yes.

GeneReviews
No classification provided. Condition: X-linked erythropoietic protoporphyria. Review status: no classification provided. Collection method: literature only. Allele origin: unknown. Not counted in ClinVar's aggregate classification.

Literature cited by the submitters: PubMed 21653323 (cited by Mayo Clinic Laboratories, Mayo Clinic); PubMed 30678654 (cited by Mayo Clinic Laboratories, Mayo Clinic); PubMed 23409301 (cited by GeneReviews); NCBI Bookshelf NBK121284 (cited by GeneReviews).